The following is an entry in ClinVar:

ClinVar aggregate classification (germline): Uncertain significance (1 of 4 stars; one submission).

Submission:

GeneDx
Classification: Uncertain significance. Last evaluated: 2023-12-14. Review status: criteria provided, single submitter. Criteria: GeneDx Variant Classification Process June 2021. Collection method: clinical testing. Allele origin: germline. Affected: yes.
Comment: Not observed at significant frequency in large population cohorts (gnomAD); In silico analysis supports that this missense variant has a deleterious effect on protein structure/function; Has not been previously published as pathogenic or benign to our knowledge

NM_001394062.1(MACF1):c.16819A>T (p.Ile5607Phe)

Gene: MACF1 (microtubule actin crosslinking factor 1; plus strand). Cytogenetic location: 1p34.3.
Variant type: single nucleotide variant.
Coding change: c.16819A>T on transcript NM_001394062.1 (MANE Select); coding-DNA position 16819, A replaced by T.
Protein change: p.Ile5607Phe; replaces isoleucine 5607 with phenylalanine.
Molecular consequence: missense variant.
Genome position (GRCh38, 1-based): chr1:39,429,257, A>T. VCF-style: chr1-39429257-A-T. GRCh37 (hg19) VCF-style: chr1-39894929-A-T.
Other names: c.4888A>T, p.Ile1630Phe (NM_001397473.1); c.10633A>T, p.Ile3545Phe (NM_012090.5); short protein forms I1630F, I3545F, I5607F.
Identifiers: ClinVar variation 3365772 (VCV003365772.1).